The following is an entry in ClinVar:

NM_004836.7(EIF2AK3):c.2987T>C (p.Ile996Thr)

Genes: EIF2AK3 (eukaryotic translation initiation factor 2 alpha kinase 3; minus strand), EIF2AK3-AS1 (EIF2AK3 antisense RNA 1; plus strand). Cytogenetic location: 2p11.2.
Variant type: single nucleotide variant.
Coding change: c.2987T>C on transcript NM_004836.7 (MANE Select); coding-DNA position 2987, T replaced by C.
Protein change: p.Ile996Thr; replaces isoleucine 996 with threonine.
Molecular consequence: missense variant.
Genome position (GRCh38, 1-based): chr2:88,562,389, A>G on the plus strand (T>C on the coding strand, the complement: EIF2AK3 is on the minus strand). VCF-style: chr2-88562389-A-G. GRCh37 (hg19) VCF-style: chr2-88861907-A-G.
Other names: c.2534T>C, p.Ile845Thr (NM_001313915.2); short protein forms I996T, I845T.
Identifiers: ClinVar variation 1354677 (VCV001354677.3), dbSNP rs148953825, ClinGen allele CA51473740.

ClinVar aggregate classification (germline): Uncertain significance (1 of 4 stars; one submission).

gnomAD v4.1: 5 of 1,612,606 alleles (0.00031%); highest among the groups gnomAD compares: Non-Finnish European, 0.00042%; no homozygotes.

Submission:

Labcorp Genetics (formerly Invitae), Labcorp
Classification: Uncertain significance. Last evaluated: 2022-06-13. Review status: criteria provided, single submitter. Criteria: Invitae Variant Classification Sherloc (09022015). Collection method: clinical testing. Allele origin: germline.
Comment: This sequence change replaces isoleucine, which is neutral and non-polar, with threonine, which is neutral and polar, at codon 996 of the EIF2AK3 protein (p.Ile996Thr). This variant is not present in population databases (gnomAD no frequency). This variant has not been reported in the literature in individuals affected with EIF2AK3-related conditions. Algorithms developed to predict the effect of missense changes on protein structure and function are either unavailable or do not agree on the potential impact of this missense change (SIFT: "Deleterious"; PolyPhen-2: "Benign"; Align-GVGD: "Class C0"). In summary, the available evidence is currently insufficient to determine the role of this variant in disease. Therefore, it has been classified as a Variant of Uncertain Significance.